The following is an entry in ClinVar:

NM_020778.5(ALPK3):c.4129+4T>C

Gene: ALPK3 (alpha kinase 3; plus strand). Cytogenetic location: 15q25.3.
Variant type: single nucleotide variant.
Coding change: c.4129+4T>C on transcript NM_020778.5 (MANE Select); 4 bases into the intron after coding-DNA position 4129, T replaced by C.
Molecular consequence: intron variant.
Genome position (GRCh38, 1-based): chr15:84,860,076, T>C. VCF-style: chr15-84860076-T-C. GRCh37 (hg19) VCF-style: chr15-85403307-T-C.
Other names: c.4735+4T>C (NM_020778.4).
Identifiers: ClinVar variation 1924548 (VCV001924548.6), dbSNP rs763049619, ClinGen allele CA7709861.
Genomic context (GRCh38, chr15:84,860,076, plus strand): 5'-TTCTTCTTTTTCTGTATCTAGTGTTGTCAGGATTCATCTCCAGAGAAGAAGGTGAAGGTA[T>C]GGTTCCCCCCTGGGGAAGGCGGGGTGGTCCTACCCCTGCCATCTGCAGGGAGGACCCTCT-3'

ClinVar aggregate classification (germline): Uncertain significance. Review status: criteria provided, multiple submitters, no conflicts (2 of 4 stars). 2 submissions from 2 submitters: Uncertain significance (2). Last evaluated 2025-11-09.

Conditions:
Cardiovascular phenotype. Identifiers: MedGen CN230736.

Allele frequency attached by ClinVar (database versions not stated): gnomAD 0.00001; ExAC 0.00002; gnomAD exomes 0.00002; TOPMed 0.00002.
gnomAD v4.1: 14 of 1,614,028 alleles (0.00087%); highest among the groups gnomAD compares: Admixed American, 0.023%; no homozygotes.

Submissions (2):

Labcorp Genetics (formerly Invitae), Labcorp
Classification: Uncertain significance. Last evaluated: 2025-11-09. Review status: criteria provided, single submitter. Criteria: Invitae Variant Classification Sherloc (09022015). Collection method: clinical testing. Allele origin: germline.
Comment: This sequence change falls in intron 9 of the ALPK3 gene. It does not directly change the encoded amino acid sequence of the ALPK3 protein. It affects a nucleotide within the consensus splice site. This variant is present in population databases (rs763049619, gnomAD 0.03%). This variant has not been reported in the literature in individuals affected with ALPK3-related conditions. ClinVar contains an entry for this variant (Variation ID: 1924548). Variants that disrupt the consensus splice site are a relatively common cause of aberrant splicing (PMID: 17576681, 9536098). Algorithms developed to predict the effect of sequence changes on RNA splicing suggest that this variant is not likely to affect RNA splicing. In summary, the available evidence is currently insufficient to determine the role of this variant in disease. Therefore, it has been classified as a Variant of Uncertain Significance.

Ambry Genetics
Classification: Uncertain significance for Cardiovascular phenotype. Last evaluated: 2024-08-29. Review status: criteria provided, single submitter. Criteria: Ambry Variant Classification Scheme 2023. Collection method: clinical testing. Allele origin: germline.
Comment: The c.4735+4T>C intronic variant results from a T to C substitution 4 nucleotides after coding exon 9 in the ALPK3 gene. This nucleotide position is poorly conserved in available vertebrate species. In silico splice site analysis predicts that this alteration will not have any significant effect on splicing. Based on the available evidence, the clinical significance of this variant remains unclear.

Literature cited by the submitters: PubMed 17576681 (cited by Labcorp Genetics (formerly Invitae), Labcorp); PubMed 9536098 (cited by Labcorp Genetics (formerly Invitae), Labcorp).